The following is an entry in ClinVar:

NM_000169.3(GLA):c.774del (p.Pro259fs)

Genes: GLA (galactosidase alpha; minus strand), RPL36A-HNRNPH2 (RPL36A-HNRNPH2 readthrough; plus strand). Cytogenetic location: Xq22.1.
Variant type: Deletion.
Coding change: c.774del on transcript NM_000169.3 (MANE Select); coding-DNA position 774, one base deleted (A; older notation c.774delA).
Protein change: p.Pro259fs; shifts the reading frame from proline 259.
Molecular consequence: frameshift variant. On other transcripts: non-coding transcript variant (3), intron variant (2).
Genome position (GRCh38, 1-based): chrX:101,398,812, T deleted on the plus strand (A on the coding strand, the reverse complement: GLA is on the minus strand). VCF-style (leftmost placement, unchanged base first): chrX-101398811-GT-G. GRCh37 (hg19) VCF-style: chrX-100653799-GT-G.
Other names: c.897del, p.Pro300fs (NM_001406747.1); c.774del, p.Pro259fs (NM_001406748.1); c.300+3355del (NM_001199973.2); c.177+6990del (NM_001199974.2); short protein forms P259fs, P300fs.
Identifiers: ClinVar variation 4974922 (VCV004974922.1).

ClinVar aggregate classification (germline): Likely pathogenic (1 of 4 stars; one submission).

Conditions:
Fabry disease. Also called: Fabry's disease; ALPHA-GALACTOSIDASE A DEFICIENCY; ANDERSON-FABRY DISEASE; CERAMIDE TRIHEXOSIDASE DEFICIENCY; GLA DEFICIENCY; HEREDITARY DYSTOPIC LIPIDOSIS. Identifiers: Orphanet 324, MedGen C0002986, MONDO:0010526, OMIM 301500, HP:0001071. Disease mechanism: Fabry disease is due to inactivating mutations in the X-linked GLA gene resulting in deficiency of the enzyme Alpha Galactosidase-A., loss of function.

Submission:

Genomenon, Inc
Classification: Likely pathogenic for Fabry disease. Last evaluated: 2026-09-08. Review status: criteria provided, single submitter. Criteria: Genomenon Sequence Variant Interpretation Standards - Updated. Collection method: curation. Allele origin: germline. Affected: no.
Comment: GLA p.Pro259GlnfsTer10 (c.774del) is a frameshift variant that is predicted to introduce a premature termination codon and result in a truncated or absent protein product. It is absent or not present at a significant frequency in gnomAD. This variant has been reported in the published literature (PMID:41204227). In conclusion, we classify GLA p.Pro259GlnfsTer10 (c.774del) as a likely pathogenic variant.

Literature cited by the submitters: PubMed 41204227.